The following is an entry in ClinVar:

NM_004667.6(HERC2):c.1676G>T (p.Gly559Val)

Gene: HERC2 (HECT and RLD domain containing E3 ubiquitin protein ligase 2; minus strand). Cytogenetic location: 15q13.1.
Variant type: single nucleotide variant.
Coding change: c.1676G>T on transcript NM_004667.6 (MANE Select); coding-DNA position 1676, G replaced by T.
Protein change: p.Gly559Val; replaces glycine 559 with valine.
Molecular consequence: missense variant.
Genome position (GRCh38, 1-based): chr15:28,265,897, C>A on the plus strand (G>T on the coding strand, the complement: HERC2 is on the minus strand). VCF-style: chr15-28265897-C-A. GRCh37 (hg19) VCF-style: chr15-28511043-C-A.
Other names: short protein forms G559V.
Identifiers: ClinVar variation 4293191 (VCV004293191.1).

ClinVar aggregate classification (germline): Uncertain significance (1 of 4 stars; one submission).

Conditions:
Developmental delay with autism spectrum disorder and gait instability (MRT38). Also called: Intellectual developmental disorder, autosomal recessive 38. Identifiers: Orphanet 329195, MedGen C3809753, MONDO:0014224, OMIM 615516.

Submission:

3billion
Classification: Uncertain significance for Developmental delay with autism spectrum disorder and gait instability. Last evaluated: 2024-07-30. Review status: criteria provided, single submitter. Criteria: ACMG Guidelines, 2015. Collection method: clinical testing. Allele origin: germline. Affected: yes.
Comment: The variant is not observed in the gnomAD v4.0.0 dataset. Predicted Consequence/Location: Missense variant In silico tool predictions suggest damaging effect of the variant on gene or gene product [REVEL: 0.95 (>=0.6, sensitivity 0.68 and specificity 0.92)]. Therefore, this variant is classified as VUS according to the recommendation of ACMG/AMP guideline.